The following is an entry in ClinVar:

ClinVar aggregate classification (germline): Uncertain significance (1 of 4 stars; one submission).

Allele frequency attached by ClinVar (database versions not stated): gnomAD exomes below 0.00001; TOPMed below 0.00001.
gnomAD v4.1: 8 of 1,608,612 alleles (0.0005%); highest among the groups gnomAD compares: South Asian, 0.0033%; 1 homozygote.

Submission:

Labcorp Genetics (formerly Invitae), Labcorp
Classification: Uncertain significance. Last evaluated: 2022-06-20. Review status: criteria provided, single submitter. Criteria: Invitae Variant Classification Sherloc (09022015). Collection method: clinical testing. Allele origin: germline.
Comment: In summary, the available evidence is currently insufficient to determine the role of this variant in disease. Therefore, it has been classified as a Variant of Uncertain Significance. Algorithms developed to predict the effect of missense changes on protein structure and function (SIFT, PolyPhen-2, Align-GVGD) all suggest that this variant is likely to be tolerated. This variant has not been reported in the literature in individuals affected with VPS33A-related conditions. This variant is present in population databases (no rsID available, gnomAD 0.0009%). This sequence change replaces methionine, which is neutral and non-polar, with leucine, which is neutral and non-polar, at codon 205 of the VPS33A protein (p.Met205Leu).

NM_022916.6(VPS33A):c.613A>C (p.Met205Leu)

Gene: VPS33A (VPS33A core subunit of CORVET and HOPS complexes; minus strand). Cytogenetic location: 12q24.31.
Variant type: single nucleotide variant.
Coding change: c.613A>C on transcript NM_022916.6 (MANE Select); coding-DNA position 613, A replaced by C.
Protein change: p.Met205Leu; replaces methionine 205 with leucine.
Molecular consequence: missense variant.
Genome position (GRCh38, 1-based): chr12:122,250,033, T>G on the plus strand (A>C on the coding strand, the complement: VPS33A is on the minus strand). VCF-style: chr12-122250033-T-G. GRCh37 (hg19) VCF-style: chr12-122734580-T-G.
Other names: c.580A>C, p.Met194Leu (NM_001351018.2); c.565A>C, p.Met189Leu (NM_001351019.2); c.613A>C, p.Met205Leu (NM_001351020.2); short protein forms M194L, M205L, M189L.
Identifiers: ClinVar variation 1473698 (VCV001473698.8), dbSNP rs1255033933, ClinGen allele CA387017079.